The following is an entry in ClinVar:

NM_001540.5(HSPB1):c.225C>G (p.Arg75=)

Gene: HSPB1 (heat shock protein family B (small) member 1; plus strand). Cytogenetic location: 7q11.23.
Variant type: single nucleotide variant.
Coding change: c.225C>G on transcript NM_001540.5 (MANE Select); coding-DNA position 225, C replaced by G.
Protein change: p.Arg75=; no amino-acid change (arginine 75 retained).
Molecular consequence: synonymous variant.
Genome position (GRCh38, 1-based): chr7:76,302,937, C>G. VCF-style: chr7-76302937-C-G. GRCh37 (hg19) VCF-style: chr7-75932254-C-G.
Other names: p.Arg75=.
Identifiers: ClinVar variation 767540 (VCV000767540.10), dbSNP rs535398122, ClinGen allele CA4306291.

ClinVar aggregate classification (germline): Likely benign. Review status: criteria provided, multiple submitters, no conflicts (2 of 4 stars). 2 submissions from 2 submitters: Likely benign (2). Last evaluated 2025-07-17.

Conditions:
Charcot-Marie-Tooth disease axonal type 2F (CMT2F). Also called: Charcot-Marie-Tooth Neuropathy Type 2F; CHARCOT-MARIE-TOOTH DISEASE, NEURONAL, TYPE 2F. Identifiers: Orphanet 99940, MedGen C1847823, MONDO:0011687, OMIM 606595.

Allele frequency attached by ClinVar (database versions not stated): gnomAD exomes 0.00003; TOPMed 0.00007; 1000 Genomes Project 30x 0.00016; 1000 Genomes Project 0.00020.

Submissions (2):

Mayo Clinic Laboratories, Mayo Clinic
Classification: Likely benign. Last evaluated: 2025-07-17. Review status: criteria provided, single submitter. Criteria: ACMG Guidelines, 2015. Collection method: clinical testing. Allele origin: germline. Observed: 1 variant allele.
Comment: BP4, BP7

Labcorp Genetics (formerly Invitae), Labcorp
Classification: Likely benign for Charcot-Marie-Tooth disease axonal type 2F. Last evaluated: 2022-11-08. Review status: criteria provided, single submitter. Criteria: Invitae Variant Classification Sherloc (09022015). Collection method: clinical testing. Allele origin: germline.